The following is an entry in ClinVar:

ClinVar aggregate classification (germline): Uncertain significance (1 of 4 stars; one submission).

Conditions:
Epidermodysplasia verruciformis. Identifiers: Orphanet 302, MedGen C0014522, MONDO:0009176.

Submission:

Labcorp Genetics (formerly Invitae), Labcorp
Classification: Uncertain significance for Epidermodysplasia verruciformis. Last evaluated: 2022-02-06. Review status: criteria provided, single submitter. Criteria: Invitae Variant Classification Sherloc (09022015). Collection method: clinical testing. Allele origin: germline.
Comment: This variant has not been reported in the literature in individuals affected with TMC8-related conditions. This variant is not present in population databases (gnomAD no frequency). This variant, c.622_642dup, results in the insertion of 7 amino acid(s) of the TMC8 protein (p.Ser208_Leu214dup), but otherwise preserves the integrity of the reading frame. Algorithms developed to predict the effect of sequence changes on RNA splicing suggest that this variant may create or strengthen a splice site. In summary, the available evidence is currently insufficient to determine the role of this variant in disease. Therefore, it has been classified as a Variant of Uncertain Significance.

NM_152468.5(TMC8):c.622_642dup (p.Leu214_Leu215insSerProLeuAlaCysLeuLeu)

Gene: TMC8 (transmembrane channel like 8; plus strand). Cytogenetic location: 17q25.3.
Variant type: Duplication.
Coding change: c.622_642dup on transcript NM_152468.5 (MANE Select); coding-DNA positions 622 to 642, 21 bases duplicated (AGCCCGCTGGCCTGCCTGCTC).
Protein change: p.Leu214_Leu215insSerProLeuAlaCysLeuLeu.
Molecular consequence: inframe insertion.
Genome position (GRCh38, 1-based): chr17:78,133,496-78,133,516, AGCCCGCTGGCCTGCCTGCTC duplicated; duplicating any 21 consecutive bases within chr17:78,133,493-78,133,516 gives the same sequence; the c. name uses the placement nearest the transcript's 3' end. VCF-style (leftmost placement, unchanged base first): chr17-78133492-C-CCTCAGCCCGCTGGCCTGCCTG. GRCh37 (hg19) VCF-style: chr17-76129573-C-CCTCAGCCCGCTGGCCTGCCTG.
Identifiers: ClinVar variation 2094228 (VCV002094228.4), dbSNP rs2510772527, ClinGen allele CA2580095242.